The following is an entry in ClinVar:

ClinVar aggregate classification (germline): Uncertain significance (1 of 4 stars; one submission).

Conditions:
Hereditary cancer-predisposing syndrome. Also called: Hereditary neoplastic syndrome; Neoplastic Syndromes, Hereditary; Tumor predisposition; Hereditary Cancer Syndrome. Identifiers: Orphanet 140162, MedGen C0027672, MeSH D009386, MONDO:0015356.

Submission:

Ambry Genetics
Classification: Uncertain significance for Hereditary cancer-predisposing syndrome. Last evaluated: 2025-02-02. Review status: criteria provided, single submitter. Criteria: Ambry Variant Classification Scheme 2023. Collection method: clinical testing. Allele origin: germline.
Comment: The p.R376K variant (also known as c.1127G>A), located in coding exon 11 of the FANCC gene, results from a G to A substitution at nucleotide position 1127. The arginine at codon 376 is replaced by lysine, an amino acid with highly similar properties. This amino acid position is conserved. In addition, this alteration is predicted to be tolerated by in silico analysis. Based on the available evidence, the clinical significance of this variant remains unclear.

NM_000136.3(FANCC):c.1127G>A (p.Arg376Lys)

Genes: FANCC (FA complementation group C; minus strand), AOPEP (aminopeptidase O (putative); plus strand). Cytogenetic location: 9q22.32.
Variant type: single nucleotide variant.
Coding change: c.1127G>A on transcript NM_000136.3 (MANE Select); coding-DNA position 1127, G replaced by A.
Protein change: p.Arg376Lys; replaces arginine 376 with lysine.
Molecular consequence: missense variant.
Genome position (GRCh38, 1-based): chr9:95,114,656, C>T on the plus strand (G>A on the coding strand, the complement: FANCC is on the minus strand). VCF-style: chr9-95114656-C-T. GRCh37 (hg19) VCF-style: chr9-97876938-C-T.
Other names: c.1127G>A, p.Arg376Lys (NM_001243743.2, NM_001243744.2); short protein forms R376K.
Identifiers: ClinVar variation 3848339 (VCV003848339.1).